The following is an entry in ClinVar:

ClinVar aggregate classification (germline): Uncertain significance (1 of 4 stars; one submission).

Allele frequency attached by ClinVar (database versions not stated): gnomAD exomes below 0.00001.
gnomAD v4.1: 2 of 1,613,968 alleles (0.00012%); highest among the groups gnomAD compares: South Asian, 0.0022%; no homozygotes.

Submission:

Labcorp Genetics (formerly Invitae), Labcorp
Classification: Uncertain significance. Last evaluated: 2022-05-12. Review status: criteria provided, single submitter. Criteria: Invitae Variant Classification Sherloc (09022015). Collection method: clinical testing. Allele origin: germline.
Comment: In summary, the available evidence is currently insufficient to determine the role of this variant in disease. Therefore, it has been classified as a Variant of Uncertain Significance. Algorithms developed to predict the effect of missense changes on protein structure and function output the following: SIFT: "Not Available"; PolyPhen-2: "Benign"; Align-GVGD: "Not Available". The arginine amino acid residue is found in multiple mammalian species, which suggests that this missense change does not adversely affect protein function. This variant has not been reported in the literature in individuals affected with ADAMTS18-related conditions. This variant is not present in population databases (gnomAD no frequency). This sequence change replaces lysine, which is basic and polar, with arginine, which is basic and polar, at codon 711 of the ADAMTS18 protein (p.Lys711Arg).

NM_199355.4(ADAMTS18):c.2132A>G (p.Lys711Arg)

Gene: ADAMTS18 (ADAM metallopeptidase with thrombospondin type 1 motif 18; minus strand). Cytogenetic location: 16q23.1.
Variant type: single nucleotide variant.
Coding change: c.2132A>G on transcript NM_199355.4 (MANE Select); coding-DNA position 2132, A replaced by G.
Protein change: p.Lys711Arg; replaces lysine 711 with arginine.
Molecular consequence: missense variant.
Genome position (GRCh38, 1-based): chr16:77,322,367, T>C on the plus strand (A>G on the coding strand, the complement: ADAMTS18 is on the minus strand). VCF-style: chr16-77322367-T-C. GRCh37 (hg19) VCF-style: chr16-77356264-T-C.
Other names: c.1616A>G, p.Lys539Arg (NM_001326358.2); short protein forms K539R, K711R.
Identifiers: ClinVar variation 1993747 (VCV001993747.4), dbSNP rs2543651232, ClinGen allele CA396828498.